The following is an entry in ClinVar:

ClinVar aggregate classification (germline): Uncertain significance (1 of 4 stars; one submission).

Conditions:
Brugada syndrome. Also called: Sudden unexpected nocturnal death syndrome; Sudden Unexplained Death Syndrome; Sudden unexplained nocturnal death syndrome; Sudden Unexplained Nocturnal Death Syndrome (SUNDS). Identifiers: Orphanet 130, MedGen C1142166, MONDO:0015263.

gnomAD v4.1: 3 of 1,613,174 alleles (0.00019%); highest among the groups gnomAD compares: Admixed American, 0.005%; no homozygotes.

Submission:

Labcorp Genetics (formerly Invitae), Labcorp
Classification: Uncertain significance for Brugada syndrome. Last evaluated: 2025-05-18. Review status: criteria provided, single submitter. Criteria: Invitae Variant Classification Sherloc (09022015). Collection method: clinical testing. Allele origin: germline.
Comment: This sequence change replaces lysine, which is basic and polar, with arginine, which is basic and polar, at codon 466 of the SLMAP protein (p.Lys466Arg). This variant is present in population databases (no rsID available, gnomAD no frequency). This variant has not been reported in the literature in individuals affected with SLMAP-related conditions. An algorithm developed to predict the effect of missense changes on protein structure and function (PolyPhen-2) suggests that this variant is likely to be disruptive. In summary, the available evidence is currently insufficient to determine the role of this variant in disease. Therefore, it has been classified as a Variant of Uncertain Significance.

NM_001377540.1(SLMAP):c.1499A>G (p.Lys500Arg)

Gene: SLMAP (sarcolemma associated protein; plus strand). Cytogenetic location: 3p14.3.
Variant type: single nucleotide variant.
Coding change: c.1499A>G on transcript NM_001377540.1 (MANE Select); coding-DNA position 1499, A replaced by G.
Protein change: p.Lys500Arg; replaces lysine 500 with arginine.
Molecular consequence: missense variant. On other transcripts: non-coding transcript variant (1).
Genome position (GRCh38, 1-based): chr3:57,896,930, A>G. VCF-style: chr3-57896930-A-G. GRCh37 (hg19) VCF-style: chr3-57882657-A-G.
Other names: c.1448A>G, p.Lys483Arg (NM_001304420.3, NM_001377541.1, NM_001377542.1 and 2 more transcripts); c.1334A>G, p.Lys445Arg (NM_001304421.2, NM_001377557.1, NM_001377559.1 and 1 more transcripts); c.50A>G, p.Lys17Arg (NM_001304422.3, NM_001304423.3, NM_001311178.2 and 4 more transcripts); c.1499A>G, p.Lys500Arg (NM_001377538.1, NM_001377539.1, NM_001377555.1); c.1436A>G, p.Lys479Arg (NM_001377545.1, NM_001377922.1); c.1397A>G, p.Lys466Arg (NM_001377549.1, NM_001377923.1, NM_007159.5); c.1385A>G, p.Lys462Arg (NM_001377551.1, NM_001377552.1, NM_001377924.1); short protein forms K466R, K500R, K17R, K483R, K479R, K445R, K462R.
Identifiers: ClinVar variation 4695005 (VCV004695005.1).